The following is an entry in ClinVar:

NM_020699.4(GATAD2B):c.1480T>C (p.Ser494Pro)

Gene: GATAD2B (GATA zinc finger domain containing 2B; minus strand). Cytogenetic location: 1q21.3.
Variant type: single nucleotide variant.
Coding change: c.1480T>C on transcript NM_020699.4 (MANE Select); coding-DNA position 1480, T replaced by C.
Protein change: p.Ser494Pro; replaces serine 494 with proline.
Molecular consequence: missense variant.
Genome position (GRCh38, 1-based): chr1:153,812,072, A>G on the plus strand (T>C on the coding strand, the complement: GATAD2B is on the minus strand). VCF-style: chr1-153812072-A-G. GRCh37 (hg19) VCF-style: chr1-153784548-A-G.
Other names: short protein forms S494P.
Identifiers: ClinVar variation 3685355 (VCV003685355.3).

ClinVar aggregate classification (germline): Uncertain significance. Review status: criteria provided, multiple submitters, no conflicts (2 of 4 stars). 2 submissions from 2 submitters: Uncertain significance (2). Last evaluated 2025-09-28.

gnomAD v4.1: 3 of 1,613,250 alleles (0.00019%); highest among the groups gnomAD compares: Non-Finnish European, 0.00025%; no homozygotes.

Submissions (2):

Labcorp Genetics (formerly Invitae), Labcorp
Classification: Uncertain significance. Last evaluated: 2025-09-28. Review status: criteria provided, single submitter. Criteria: Invitae Variant Classification Sherloc (09022015). Collection method: clinical testing. Allele origin: germline.
Comment: This sequence change replaces serine, which is neutral and polar, with proline, which is neutral and non-polar, at codon 494 of the GATAD2B protein (p.Ser494Pro). This variant is present in population databases (rs748610133, gnomAD 0.0009%). This variant has not been reported in the literature in individuals affected with GATAD2B-related conditions. ClinVar contains an entry for this variant (Variation ID: 3685355). Invitae Evidence Modeling of protein sequence and biophysical properties (such as structural, functional, and spatial information, amino acid conservation, physicochemical variation, residue mobility, and thermodynamic stability) indicates that this missense variant is not expected to disrupt GATAD2B protein function with a negative predictive value of 80%. In summary, the available evidence is currently insufficient to determine the role of this variant in disease. Therefore, it has been classified as a Variant of Uncertain Significance.

Women's Health and Genetics/Laboratory Corporation of America, LabCorp
Classification: Uncertain significance. Last evaluated: 2025-09-16. Review status: criteria provided, single submitter. Criteria: LabCorp Variant Classification Summary - May 2015. Collection method: clinical testing. Allele origin: germline.
Comment: Variant summary: GATAD2B c.1480T>C (p.Ser494Pro) results in a non-conservative amino acid change in the encoded protein sequence. Algorithms developed to predict the effect of missense changes on protein structure and function are either unavailable or do not agree on the potential impact of this missense change. The variant allele was found at a frequency of 8e-06 in 251394 control chromosomes. The available data on variant occurrences in the general population are insufficient to allow any conclusion about variant significance. To our knowledge, no occurrence of c.1480T>C in individuals affected with GATAD2B-related conditions and no experimental evidence demonstrating its impact on protein function have been reported. ClinVar contains an entry for this variant (Variation ID: 3685355). Based on the evidence outlined above, the variant was classified as uncertain significance.